The following is an entry in ClinVar:

NM_000238.4(KCNH2):c.2462A>T (p.Asp821Val)

Gene: KCNH2 (potassium voltage-gated channel subfamily H member 2; minus strand). Cytogenetic location: 7q36.1.
Variant type: single nucleotide variant.
Coding change: c.2462A>T on transcript NM_000238.4 (MANE Select); coding-DNA position 2462, A replaced by T.
Protein change: p.Asp821Val; replaces aspartic acid 821 with valine.
Molecular consequence: missense variant.
Genome position (GRCh38, 1-based): chr7:150,948,986, T>A on the plus strand (A>T on the coding strand, the complement: KCNH2 is on the minus strand). VCF-style: chr7-150948986-T-A. GRCh37 (hg19) VCF-style: chr7-150646074-T-A.
Other names: c.1442A>T, p.Asp481Val (NM_172057.3); short protein forms D481V, D821V.
Identifiers: ClinVar variation 1381920 (VCV001381920.8), dbSNP rs2116941006, ClinGen allele CA369855191.
Genomic context (GRCh38, chr7:150,948,986, plus strand): 5'-ACCTCCAGCAGGTCGTCCCGATGGATCTTGTGTAGGTCACAGTAGGTGAGGGCCCGCACA[T>A]CCCCGTTCGACTTGCCAGGCCTTGCATACAGGTTCAGAGGCTCCCCAAAGATGTCATTCT-3'
Protein context (NP_000229.1, residues 811-831): LYARPGKSNG[Asp821Val]VRALTYCDLH

ClinVar aggregate classification (germline): Uncertain significance (1 of 4 stars; one submission).

Conditions:
Long QT syndrome (LQTS). Identifiers: MedGen C0023976, MeSH D008133, MONDO:0002442. Disease mechanism: loss of function. Inheritance: Various modes of inheritance.

Submission:

Labcorp Genetics (formerly Invitae), Labcorp
Classification: Uncertain significance for Long QT syndrome. Last evaluated: 2021-03-26. Review status: criteria provided, single submitter. Criteria: Invitae Variant Classification Sherloc (09022015). Collection method: clinical testing. Allele origin: germline.
Comment: This variant has not been reported in the literature in individuals with KCNH2-related conditions. This sequence change replaces aspartic acid with valine at codon 821 of the KCNH2 protein (p.Asp821Val). The aspartic acid residue is moderately conserved and there is a large physicochemical difference between aspartic acid and valine. This variant is not present in population databases (ExAC no frequency). Algorithms developed to predict the effect of missense changes on protein structure and function are either unavailable or do not agree on the potential impact of this missense change (SIFT: "Tolerated"; PolyPhen-2: "Probably Damaging"; Align-GVGD: "Class C0"). In summary, the available evidence is currently insufficient to determine the role of this variant in disease. Therefore, it has been classified as a Variant of Uncertain Significance.